The following is an entry in ClinVar:

NM_001080449.3(DNA2):c.377C>A (p.Ser126Tyr)

Gene: DNA2 (DNA replication helicase/nuclease 2; minus strand). Cytogenetic location: 10q21.3.
Variant type: single nucleotide variant.
Coding change: c.377C>A on transcript NM_001080449.3 (MANE Select); coding-DNA position 377, C replaced by A.
Protein change: p.Ser126Tyr; replaces serine 126 with tyrosine.
Molecular consequence: missense variant. On other transcripts: non-coding transcript variant (1).
Genome position (GRCh38, 1-based): chr10:68,468,187, G>T on the plus strand (C>A on the coding strand, the complement: DNA2 is on the minus strand). VCF-style: chr10-68468187-G-T. GRCh37 (hg19) VCF-style: chr10-70227944-G-T.
Other names: c.377C>A (NM_001080449.2); short protein forms S126Y.
Identifiers: ClinVar variation 1938814 (VCV001938814.6), dbSNP rs1471609645, ClinGen allele CA376829761.

ClinVar aggregate classification (germline): Uncertain significance. Review status: criteria provided, multiple submitters, no conflicts (2 of 4 stars). 2 submissions from 2 submitters: Uncertain significance (2). Last evaluated 2025-05-11.

Allele frequency attached by ClinVar (database versions not stated): gnomAD exomes below 0.00001.
gnomAD v4.1: 1 of 1,611,408 alleles (0.000062%); highest among the groups gnomAD compares: Admixed American, 0.0017%; no homozygotes.

Submissions (2):

Labcorp Genetics (formerly Invitae), Labcorp
Classification: Uncertain significance. Last evaluated: 2025-05-11. Review status: criteria provided, single submitter. Criteria: Invitae Variant Classification Sherloc (09022015). Collection method: clinical testing. Allele origin: germline.
Comment: This sequence change replaces serine, which is neutral and polar, with tyrosine, which is neutral and polar, at codon 126 of the DNA2 protein (p.Ser126Tyr). This variant is present in population databases (no rsID available, gnomAD 0.003%). This variant has not been reported in the literature in individuals affected with DNA2-related conditions. ClinVar contains an entry for this variant (Variation ID: 1938814). Invitae Evidence Modeling of protein sequence and biophysical properties (such as structural, functional, and spatial information, amino acid conservation, physicochemical variation, residue mobility, and thermodynamic stability) indicates that this missense variant is expected to disrupt DNA2 protein function with a positive predictive value of 80%. In summary, the available evidence is currently insufficient to determine the role of this variant in disease. Therefore, it has been classified as a Variant of Uncertain Significance.

GeneDx
Classification: Uncertain significance. Last evaluated: 2023-04-03. Review status: criteria provided, single submitter. Criteria: GeneDx Variant Classification Process June 2021. Collection method: clinical testing. Allele origin: germline. Affected: yes.
Comment: Not observed at significant frequency in large population cohorts (gnomAD); In silico analysis supports that this missense variant has a deleterious effect on protein structure/function; Has not been previously published as pathogenic or benign to our knowledge